The following is an entry in ClinVar:

NM_145046.5(CALR3):c.986G>A (p.Gly329Asp)

Gene: CALR3 (calreticulin 3; minus strand). Cytogenetic location: 19p13.11.
Variant type: single nucleotide variant.
Coding change: c.986G>A on transcript NM_145046.5 (MANE Select); coding-DNA position 986, G replaced by A.
Protein change: p.Gly329Asp; replaces glycine 329 with aspartic acid.
Molecular consequence: missense variant.
Genome position (GRCh38, 1-based): chr19:16,480,639, C>T on the plus strand (G>A on the coding strand, the complement: CALR3 is on the minus strand). VCF-style: chr19-16480639-C-T. GRCh37 (hg19) VCF-style: chr19-16591450-C-T.
Other names: short protein forms G329D.
Identifiers: ClinVar variation 4739987 (VCV004739987.1).

ClinVar aggregate classification (germline): Uncertain significance (1 of 4 stars; one submission).

Conditions:
Hypertrophic cardiomyopathy 19. Also called: Familial hypertrophic cardiomyopathy 19. Identifiers: MedGen CN077603, MONDO:0013476.

gnomAD v4.1: 3 of 1,613,596 alleles (0.00019%); highest among the groups gnomAD compares: African/African-American, 0.004%; no homozygotes.

Submission:

Labcorp Genetics (formerly Invitae), Labcorp
Classification: Uncertain significance for Hypertrophic cardiomyopathy 19. Last evaluated: 2025-06-12. Review status: criteria provided, single submitter. Criteria: Invitae Variant Classification Sherloc (09022015). Collection method: clinical testing. Allele origin: germline.
Comment: This sequence change replaces glycine, which is neutral and non-polar, with aspartic acid, which is acidic and polar, at codon 329 of the CALR3 protein (p.Gly329Asp). This variant is not present in population databases (gnomAD no frequency). This variant has not been reported in the literature in individuals affected with CALR3-related conditions. Invitae Evidence Modeling of protein sequence and biophysical properties (such as structural, functional, and spatial information, amino acid conservation, physicochemical variation, residue mobility, and thermodynamic stability) indicates that this missense variant is not expected to disrupt CALR3 protein function with a negative predictive value of 80%. In summary, the available evidence is currently insufficient to determine the role of this variant in disease. Therefore, it has been classified as a Variant of Uncertain Significance.